The following is an entry in ClinVar:

NM_014484.5(MOCS3):c.467C>T (p.Pro156Leu)

Gene: MOCS3 (molybdenum cofactor synthesis 3; plus strand). Cytogenetic location: 20q13.13.
Variant type: single nucleotide variant.
Coding change: c.467C>T on transcript NM_014484.5 (MANE Select); coding-DNA position 467, C replaced by T.
Protein change: p.Pro156Leu; replaces proline 156 with leucine.
Molecular consequence: missense variant.
Genome position (GRCh38, 1-based): chr20:50,959,309, C>T. VCF-style: chr20-50959309-C-T. GRCh37 (hg19) VCF-style: chr20-49575846-C-T.
Other names: c.467C>T (NM_014484.3); short protein forms P156L.
Identifiers: ClinVar variation 1362128 (VCV001362128.9), dbSNP rs372128666, ClinGen allele CA9909413.
Genomic context (GRCh38, chr20:50,959,309, plus strand): 5'-CCAAGGCCTTTTCGGCCGCCGCCTCGCTGCGCCGCCTCAATTCGGCAGTGGAATGCGTGC[C>T]GTACACTCAGGCCCTTACGCCAGCCACTGCCCTAGACCTGGTCCGCCGATATGATGTGGT-3'
Protein context (NP_055299.1, residues 146-166): RRLNSAVECV[Pro156Leu]YTQALTPATA

ClinVar aggregate classification (germline): Uncertain significance. Review status: criteria provided, multiple submitters, no conflicts (2 of 4 stars). 2 submissions from 2 submitters: Uncertain significance (2). Last evaluated 2025-07-13.

Allele frequency attached by ClinVar (database versions not stated): gnomAD 0.00001; TOPMed 0.00002; ESP Exome Variant Server 0.00008.

Submissions (2):

Ambry Genetics
Classification: Uncertain significance. Last evaluated: 2025-07-13. Review status: criteria provided, single submitter. Criteria: Ambry Variant Classification Scheme 2023. Collection method: clinical testing. Allele origin: germline.

Labcorp Genetics (formerly Invitae), Labcorp
Classification: Uncertain significance. Last evaluated: 2025-01-11. Review status: criteria provided, single submitter. Criteria: Invitae Variant Classification Sherloc (09022015). Collection method: clinical testing. Allele origin: germline.
Comment: This sequence change replaces proline, which is neutral and non-polar, with leucine, which is neutral and non-polar, at codon 156 of the MOCS3 protein (p.Pro156Leu). This variant is present in population databases (rs372128666, gnomAD 0.005%). This variant has not been reported in the literature in individuals affected with MOCS3-related conditions. ClinVar contains an entry for this variant (Variation ID: 1362128). An algorithm developed to predict the effect of missense changes on protein structure and function (PolyPhen-2) suggests that this variant is likely to be tolerated. In summary, the available evidence is currently insufficient to determine the role of this variant in disease. Therefore, it has been classified as a Variant of Uncertain Significance.